The following is an entry in ClinVar:

ClinVar aggregate classification (germline): Uncertain significance (1 of 4 stars; one submission).

Conditions:
Developmental and epileptic encephalopathy, 8 (DEE8). Also called: HYPEREKPLEXIA AND EPILEPSY. Identifiers: Orphanet 163985, Orphanet 2076, MedGen C1845102, MONDO:0010375, OMIM 300607.

Submission:

Labcorp Genetics (formerly Invitae), Labcorp
Classification: Uncertain significance for Developmental and epileptic encephalopathy, 8. Last evaluated: 2018-10-01. Review status: criteria provided, single submitter. Criteria: Invitae Variant Classification Sherloc (09022015). Collection method: clinical testing. Allele origin: germline.
Comment: In summary, the available evidence is currently insufficient to determine the role of this variant in disease. Therefore, it has been classified as a Variant of Uncertain Significance. This sequence change falls in intron 3 of the ARHGEF9 gene. It does not directly change the encoded amino acid sequence of the ARHGEF9 protein, but it affects a nucleotide within the consensus splice site of the intron. This variant is not present in population databases (ExAC no frequency). This variant has not been reported in the literature in individuals with ARHGEF9-related disease. Nucleotide substitutions within the consensus splice site are a relatively common cause of aberrant splicing (PMID: 17576681, 9536098). Algorithms developed to predict the effect of sequence changes on RNA splicing suggest that this variant is not likely to affect RNA splicing, but this prediction has not been confirmed by published transcriptional studies.

Literature cited by the submitters: PubMed 17576681; PubMed 9536098.

NM_001353921.2(ARHGEF9):c.403-3C>T

Gene: ARHGEF9 (Cdc42 guanine nucleotide exchange factor 9; minus strand). Cytogenetic location: Xq11.1.
Variant type: single nucleotide variant.
Coding change: c.403-3C>T on transcript NM_001353921.2 (MANE Select); 3 bases into the intron before coding-DNA position 403, C replaced by T.
Molecular consequence: intron variant.
Genome position (GRCh38, 1-based): chrX:63,697,307, G>A on the plus strand (C>T on the coding strand, the complement: ARHGEF9 is on the minus strand). VCF-style: chrX-63697307-G-A. GRCh37 (hg19) VCF-style: chrX-62917187-G-A.
Other names: c.223-3C>T (NM_001173479.2); c.403-3C>T (NM_001353922.2); c.319-3C>T (NM_001369043.1, NM_001330495.2, NM_001369038.1 and 8 more transcripts); c.421-3C>T (NM_001353923.1); c.202-3C>T (NM_001369040.1, NM_001369039.1, NM_001353926.2 and 1 more transcripts); c.382-3C>T (NM_001369031.1, NM_001369030.1, NM_001369032.1 and 2 more transcripts); c.-33-3C>T (NM_001369045.1); c.76-3C>T (NM_001173480.2, NM_001369042.1).
Identifiers: ClinVar variation 660199 (VCV000660199.7), dbSNP rs1602447219, ClinGen allele CA915951131.